The following is an entry in ClinVar:

ClinVar aggregate classification (germline): Uncertain significance (1 of 4 stars; one submission).

Submission:

Labcorp Genetics (formerly Invitae), Labcorp
Classification: Uncertain significance. Last evaluated: 2025-05-07. Review status: criteria provided, single submitter. Criteria: Invitae Variant Classification Sherloc (09022015). Collection method: clinical testing. Allele origin: germline.
Comment: This sequence change replaces leucine, which is neutral and non-polar, with valine, which is neutral and non-polar, at codon 59 of the DRP2 protein (p.Leu59Val). This variant is not present in population databases (gnomAD no frequency). This variant has not been reported in the literature in individuals affected with DRP2-related conditions. Invitae Evidence Modeling of protein sequence and biophysical properties (such as structural, functional, and spatial information, amino acid conservation, physicochemical variation, residue mobility, and thermodynamic stability) indicates that this missense variant is not expected to disrupt DRP2 protein function with a negative predictive value of 80%. In summary, the available evidence is currently insufficient to determine the role of this variant in disease. Therefore, it has been classified as a Variant of Uncertain Significance.

NM_001939.3(DRP2):c.175C>G (p.Leu59Val)

Gene: DRP2 (dystrophin related protein 2; plus strand). Cytogenetic location: Xq22.1.
Variant type: single nucleotide variant.
Coding change: c.175C>G on transcript NM_001939.3 (MANE Select); coding-DNA position 175, C replaced by G.
Protein change: p.Leu59Val; replaces leucine 59 with valine.
Molecular consequence: missense variant. On other transcripts: 5 prime UTR variant (1).
Genome position (GRCh38, 1-based): chrX:101,235,917, C>G. VCF-style: chrX-101235917-C-G. GRCh37 (hg19) VCF-style: chrX-100490906-C-G.
Other names: c.-60C>G (NM_001171184.2); short protein forms L59V.
Identifiers: ClinVar variation 4742447 (VCV004742447.1).
Genomic context (GRCh38, chrX:101,235,917, plus strand): 5'-CAGGTTAGAGCTGCTGTCACCAGCCCTGCACCTCCTCAAGATGGTGCTGGGGTTCCCTGC[C>G]TAAGCCTAAAGCTGTTGAACGGGTCTGTTGGTGCCTCTGGACCCCTGGAACCACCAGCCA-3'
Protein context (NP_001930.2, residues 49-69): PPQDGAGVPC[Leu59Val]SLKLLNGSVG